The following is an entry in ClinVar:

NM_001114753.3(ENG):c.1087T>C (p.Cys363Arg)

Gene: ENG (endoglin; minus strand). Cytogenetic location: 9q34.11.
Variant type: single nucleotide variant.
Coding change: c.1087T>C on transcript NM_001114753.3 (MANE Select); coding-DNA position 1087, T replaced by C.
Protein change: p.Cys363Arg; replaces cysteine 363 with arginine.
Molecular consequence: missense variant.
Genome position (GRCh38, 1-based): chr9:127,824,351, A>G on the plus strand (T>C on the coding strand, the complement: ENG is on the minus strand). VCF-style: chr9-127824351-A-G. GRCh37 (hg19) VCF-style: chr9-130586630-A-G.
Other names: c.1087T>C, p.Cys363Arg (NM_000118.4, NM_001406715.1); c.541T>C, p.Cys181Arg (NM_001278138.2); short protein forms C181R, C363R.
Identifiers: ClinVar variation 1330635 (VCV001330635.11), dbSNP rs2131885848, ClinGen allele CA374980748.
Genomic context (GRCh38, chr9:127,824,351, plus strand): 5'-GGAGTTCCCTTACCGCAACAAGCTCTTTCTTTAGTACCAGGGTCATGGCGTCGTCGGCAC[A>G]CTTTGTCTGGATCAAGGACATGAGCAGCTCCGGGCTACAAGTGTCCTTGGGAGGAGTGGT-3'
Protein context (NP_001108225.1, residues 353-373): ELLMSLIQTK[Cys363Arg]ADDAMTLVLK

ClinVar aggregate classification (germline): Pathogenic/Likely pathogenic. Review status: criteria provided, multiple submitters, no conflicts (2 of 4 stars). 2 submissions from 2 submitters: Pathogenic (1); Likely pathogenic (1). Last evaluated 2023-04-06.

Conditions:
Hereditary hemorrhagic telangiectasia (HHT). Also called: ORW DISEASE; Osler Weber Rendu syndrome; OSLER-RENDU-WEBER DISEASE; Osler hemorrhagic telangiectasia syndrome. Identifiers: Orphanet 774, MedGen C0039445, MONDO:0019180. Disease mechanism: loss of function.
Telangiectasia, hereditary hemorrhagic, type 1 (HHT1). Also called: Osler Weber Rendu syndrome type 1; ENG-Related Hereditary Hemorrhagic Telangiectasia. Identifiers: Orphanet 774, MedGen C4551861, MONDO:0008535, OMIM 187300. Disease mechanism: loss of function.

Submissions (2):

Labcorp Genetics (formerly Invitae), Labcorp
Classification: Pathogenic for Hereditary hemorrhagic telangiectasia. Last evaluated: 2023-04-06. Review status: criteria provided, single submitter. Criteria: Invitae Variant Classification Sherloc (09022015). Collection method: clinical testing. Allele origin: germline.
Comment: This sequence change replaces cysteine, which is neutral and slightly polar, with arginine, which is basic and polar, at codon 363 of the ENG protein (p.Cys363Arg). This missense change has been observed in individual(s) with clinical features of hereditary hemorrhagic telangiectasia (Invitae). In at least one individual the variant was observed to be de novo. It has also been observed to segregate with disease in related individuals. This variant is not present in population databases (gnomAD no frequency). ClinVar contains an entry for this variant (Variation ID: 1330635). Advanced modeling of protein sequence and biophysical properties (such as structural, functional, and spatial information, amino acid conservation, physicochemical variation, residue mobility, and thermodynamic stability) performed at Invitae indicates that this missense variant is expected to disrupt ENG protein function. This variant disrupts the p.Cys363 amino acid residue in ENG. Other variant(s) that disrupt this residue have been determined to be pathogenic (PMID: 17384219, 22991266, 23710379, 24196379). This suggests that this residue is clinically significant, and that variants that disrupt this residue are likely to be disease-causing. For these reasons, this variant has been classified as Pathogenic.

ARUP Laboratories, Molecular Genetics and Genomics, ARUP Laboratories
Classification: Likely pathogenic for Telangiectasia, hereditary hemorrhagic, type 1. Last evaluated: 2021-08-17. Review status: criteria provided, single submitter. Criteria: ARUP Molecular Germline Variant Investigation Process 2021. Collection method: clinical testing. Allele origin: germline.
Comment: The ENG c.1087T>C; p.Cys363Arg variant, to our knowledge, is not reported in the medical literature or gene specific databases. This variant is also absent from the Genome Aggregation Database, indicating it is not a common polymorphism. The cysteine at codon 363 is highly conserved, but computational analyses are uncertain whether this variant is neutral or deleterious (REVEL: 0.684). However, other variants at this codon (Cys363Ser, Cys363Tyr) are reported in the literature in individuals with HHT (Bossler 2006, Gedge 2007, Nishida 2012, Paquet 2001), and the p.Cys363Tyr variant improperly localizes to the endoplasmic reticulum (Ali 2011). Based on available information, the p.Cys363Arg variant is considered to be likely pathogenic. REFERENCES Ali BR et al. Endoplasmic reticulum quality control is involved in the mechanism of endoglin-mediated hereditary haemorrhagic telangiectasia. PLoS One. 2011;6(10):e26206. PMID: 22022569. Bossler AD et al. Novel mutations in ENG and ACVRL1 identified in a series of 200 individuals undergoing clinical genetic testing for hereditary hemorrhagic telangiectasia (HHT): correlation of genotype with phenotype. Hum Mutat. 2006 Jul;27(7):667-75. PMID: 16752392. Gedge F et al. Clinical and analytical sensitivities in hereditary hemorrhagic telangiectasia testing and a report of de novo mutations. J Mol Diagn. 2007 Apr;9(2):258-65. PMID: 17384219. Nishida T et al. Brain arteriovenous malformations associated with hereditary hemorrhagic telangiectasia: gene-phenotype correlations. Am J Med Genet A. 2012 Nov;158A(11):2829-34. PMID: 22991266. Paquet ME et al. Analysis of several endoglin mutants reveals no endogenous mature or secreted protein capable of interfering with normal endoglin function. Hum Mol Genet. 2001 Jun 15;10(13):1347-57. PMID: 11440987.

Literature cited by the submitters: PubMed 17384219 (cited by Labcorp Genetics (formerly Invitae), Labcorp); PubMed 22991266 (cited by Labcorp Genetics (formerly Invitae), Labcorp); PubMed 23710379 (cited by Labcorp Genetics (formerly Invitae), Labcorp); PubMed 24196379 (cited by Labcorp Genetics (formerly Invitae), Labcorp).